The following is an entry in ClinVar:

NM_002334.4(LRP4):c.636C>T (p.Gly212=)

Gene: LRP4 (LDL receptor related protein 4; minus strand). Cytogenetic location: 11p11.2.
Variant type: single nucleotide variant.
Coding change: c.636C>T on transcript NM_002334.4 (MANE Select); coding-DNA position 636, C replaced by T.
Protein change: p.Gly212=; no amino-acid change (glycine 212 retained).
Molecular consequence: synonymous variant.
Genome position (GRCh38, 1-based): chr11:46,898,944, G>A on the plus strand (C>T on the coding strand, the complement: LRP4 is on the minus strand). VCF-style: chr11-46898944-G-A. GRCh37 (hg19) VCF-style: chr11-46920495-G-A.
Identifiers: ClinVar variation 392169 (VCV000392169.11), dbSNP rs17848239, ClinGen allele CA5970436.
Genomic context (GRCh38, chr11:46,898,944, plus strand): 5'-CAGCTGGCCAGAGTACTCACAGCAGTCAGACTCGTCTGACCAGTCTCCACAGTCATCGTC[G>A]CCATCGCAGTGGTAGATGTCGAGGATGCAGCGTCCATAGGCACACTGGAACTCCTCCAGG-3'
Protein context (NP_002325.2, residues 202-222): RCILDIYHCD[Gly212=]DDDCGDWSDE

ClinVar aggregate classification (germline): Likely benign. Review status: criteria provided, multiple submitters, no conflicts (2 of 4 stars). 2 submissions from 2 submitters: Likely benign (2). Last evaluated 2025-05-27.

Conditions:
Sclerosteosis 2 (SOST2). Identifiers: Orphanet 3152, MedGen C3280402, MONDO:0013679, OMIM 614305.
Cenani-Lenz syndactyly syndrome. Also called: CENANI SYNDACTYLISM; SYNDACTYLY, TYPE VII. Identifiers: Orphanet 3258, MedGen C1859309, MONDO:0008931, OMIM 212780.
Congenital myasthenic syndrome 17. Identifiers: Orphanet 590, MedGen C4225377, MONDO:0014578, OMIM 616304.

Allele frequency attached by ClinVar (database versions not stated): ExAC 0.00007; gnomAD exomes 0.00007; ESP Exome Variant Server 0.00008; gnomAD 0.00015; 1000 Genomes Project 30x 0.00016; 1000 Genomes Project 0.00020; TOPMed 0.00023.
gnomAD v4.1: 165 of 1,613,822 alleles (0.01%); highest among the groups gnomAD compares: African/African-American, 0.041%; 1 homozygote.

Submissions (2):

Labcorp Genetics (formerly Invitae), Labcorp
Classification: Likely benign for Cenani-Lenz syndactyly syndrome; Sclerosteosis 2; Congenital myasthenic syndrome 17. Last evaluated: 2025-05-27. Review status: criteria provided, single submitter. Criteria: Invitae Variant Classification Sherloc (09022015). Collection method: clinical testing. Allele origin: germline.

GeneDx
Classification: Likely benign. Last evaluated: 2017-01-12. Review status: criteria provided, single submitter. Criteria: GeneDx Variant Classification (06012015). Collection method: clinical testing. Allele origin: germline. Affected: yes.
Comment: This variant is considered likely benign or benign based on one or more of the following criteria: it is a conservative change, it occurs at a poorly conserved position in the protein, it is predicted to be benign by multiple in silico algorithms, and/or has population frequency not consistent with disease.